The following is an entry in ClinVar:

NM_000059.4(BRCA2):c.8342A>T (p.Asn2781Ile)

Gene: BRCA2 (BRCA2 DNA repair associated; plus strand). Cytogenetic location: 13q13.1.
Variant type: single nucleotide variant.
Coding change: c.8342A>T on transcript NM_000059.4 (MANE Select); coding-DNA position 8342, A replaced by T.
Protein change: p.Asn2781Ile; replaces asparagine 2781 with isoleucine.
Molecular consequence: missense variant.
Genome position (GRCh38, 1-based): chr13:32,370,412, A>T. VCF-style: chr13-32370412-A-T. GRCh37 (hg19) VCF-style: chr13-32944549-A-T.
Other names: short protein forms N2781I.
Identifiers: ClinVar variation 531223 (VCV000531223.30), dbSNP rs1434821822, ClinGen allele CA387752356.

ClinVar aggregate classification (germline): Conflicting classifications of pathogenicity. Review status: criteria provided, conflicting classifications (1 of 4 stars). 9 submissions from 9 submitters: Likely pathogenic (4); Likely pathogenic, low penetrance (1); Uncertain significance (4). Last evaluated 2025-12-29.

Conditions:
Breast-ovarian cancer, familial, susceptibility to, 2 (BROVCA2). Also called: BRCA2 Hereditary Breast and Ovarian Cancer. Identifiers: Orphanet 145, MedGen C2675520, MONDO:0012933, OMIM 612555. Disease mechanism: loss of function.
Hereditary cancer-predisposing syndrome. Also called: Neoplastic Syndromes, Hereditary; Hereditary neoplastic syndrome; Tumor predisposition; Hereditary Cancer Syndrome. Identifiers: Orphanet 140162, MedGen C0027672, MeSH D009386, MONDO:0015356.
Hereditary breast ovarian cancer syndrome. Also called: Hereditary breast and ovarian cancer syndrome; Hereditary breast and ovarian cancer syndrome (HBOC); BRCA1- and BRCA2-Associated Hereditary Breast and Ovarian Cancer; Hereditary breast and ovarian cancer; Breast and ovarian cancer; Hereditary breast and/or ovarian cancer syndrome. Identifiers: Orphanet 145, MedGen C0677776, MeSH D061325, MONDO:0003582. Disease mechanism: loss of function.
Familial cancer of breast. Also called: BREAST CANCER, FAMILIAL; hereditary breast carcinoma; Hereditary breast cancer. Identifiers: Orphanet 227535, MedGen C0346153, MONDO:0016419, OMIM 114480. Disease mechanism: loss of function.
BRCA2-related cancer predisposition. Identifiers: MedGen CN377758, MONDO:0700269.

Submissions (9):

Center for Genomic Medicine, Rigshospitalet, Copenhagen University Hospital
Classification: Likely pathogenic. Last evaluated: 2025-12-29. Review status: criteria provided, single submitter. Criteria: ACMG Guidelines, 2015. Collection method: clinical testing. Allele origin: germline.
Comment: Classification criteria: PM2_supporting, PS3, PP3

German Consortium for Hereditary Breast and Ovarian Cancer, University Hospital Cologne
Classification: Likely pathogenic, low penetrance for Hereditary breast ovarian cancer syndrome. Last evaluated: 2025-10-14. Review status: criteria provided, single submitter. Criteria: ClinGen BRCA2 V1.1.0. Collection method: curation. Allele origin: germline.
Comment: This classification follows the ClinGen ENIGMA BRCA2 v1.1.0 classification scheme; We chose these criteria: PS3 (strong pathogenic): as per Table9_BRCA12VCEP_specs + Huang et al. (2025, PMID: 39779857): PS3_STR + Sahu et al. (2025, PMID: 39779848): PS3_STR + Hu et al. (2024, PMID: 38417439): Abnormal HDR Function, PM2 (supporting pathogenic): absent from GnomAD v4.1.0, PP3 (supporting pathogenic): BayesDEL: 0.35996 and within BRCA2 DNA binding aa 2481-3186, BP5 (supporting benign): Combined LR Score: 0.3944 (Parsons et al., 2019)

Ambry Genetics
Classification: Likely pathogenic for Hereditary cancer-predisposing syndrome. Last evaluated: 2025-10-06. Review status: criteria provided, single submitter. Criteria: Ambry Variant Classification Scheme 2023. Collection method: clinical testing. Allele origin: germline.
Comment: The p.N2781I variant (also known as c.8342A>T), located in coding exon 18 of the BRCA2 gene, results from an A to T substitution at nucleotide position 8342. The asparagine at codon 2781 is replaced by isoleucine, an amino acid with dissimilar properties. This alteration was identified in an individual with ovarian cancer (Soegaard M et al. Clin. Cancer Res. 2008 Jun;14:3761-7). This variant was non-functional in a homology-directed DNA repair (HDR) assay (Richardson ME et al. Am J Hum Genet, 2021 Mar;108:458-468). Two saturation genome editing-based studies, including a haploid cell-survival assay and a humanized mouse embryonic stem cell line assay of drug response and survival, demonstrate that this nucleotide substitution is non-functional(Huang H et al. Nature. 2025 Feb;638(8050):528-537; Sahu S et al. Nature. 2025 Feb;638(8050):538-545). Based on internal structural analysis, N2781I is more destabilizing to the local structure of the OB1 domain in BRCA2 than other pathogenic variants (Yang H et al. Science, 2002 Sep;297:1837-48). This variant is considered to be rare based on population cohorts in the Genome Aggregation Database (gnomAD). This amino acid position is highly conserved in available vertebrate species. In addition, this alteration is predicted to be deleterious by in silico analysis. Based on the majority of available evidence to date, this variant is likely to be pathogenic.

Labcorp Genetics (formerly Invitae), Labcorp
Classification: Uncertain significance for Hereditary breast ovarian cancer syndrome. Last evaluated: 2025-01-22. Review status: criteria provided, single submitter. Criteria: Invitae Variant Classification Sherloc (09022015). Collection method: clinical testing. Allele origin: germline.
Comment: This sequence change replaces asparagine, which is neutral and polar, with isoleucine, which is neutral and non-polar, at codon 2781 of the BRCA2 protein (p.Asn2781Ile). This variant is not present in population databases (gnomAD no frequency). This missense change has been observed in individual(s) with BRCA2-related conditions (PMID: 18559594, 31396961). This variant is also known as 8570A>T. ClinVar contains an entry for this variant (Variation ID: 531223). Invitae Evidence Modeling incorporating data from in vitro experimental studies (PMID: 33609447) indicates that this missense variant is expected to disrupt BRCA2 function with a positive predictive value of 95%. Experimental studies have shown that this missense change affects BRCA2 function (PMID: 29884841, 33609447). In summary, the available evidence is currently insufficient to determine the role of this variant in disease. Therefore, it has been classified as a Variant of Uncertain Significance.

Department of Clinical Genetics, Copenhagen University Hospital, Rigshospitalet
Classification: Likely pathogenic for Breast-ovarian cancer, familial, susceptibility to, 2. Last evaluated: 2024-06-27. Review status: criteria provided, single submitter. Criteria: ACMG Guidelines, 2015. Collection method: clinical testing. Allele origin: germline. Affected: yes.
Comment: The following ACMG criteria is used: PM2_Supporting (not reported in gnomAD), PS3 (PMID: 38417439); PP3 (BayesDel 0.4161)

All of Us Research Program, National Institutes of Health
Classification: Uncertain significance for BRCA2-related cancer predisposition. Last evaluated: 2024-04-25. Review status: criteria provided, single submitter. Criteria: ACMG Guidelines, 2015. Collection method: clinical testing. Allele origin: germline. Inheritance: Autosomal dominant inheritance. Observed: 1 variant allele, 1 heterozygote.
Comment: This missense variant replaces asparagine with isoleucine at codon 2781 of the BRCA2 protein. Computational prediction suggests that this variant may have deleterious impact on protein structure and function (internally defined REVEL score threshold >= 0.7, PMID: 27666373). A functional study has reported that this variant impacts BRCA2 function in a homology-directed repair assay (PMID: 29884841, 33609447). This variant has been reported in an individual affected with ovarian cancer (PMID: 18559594). A multifactorial analysis also has reported a family history likelihood ratio for pathogenicity of 0.3667 (PMID: 31131967). This variant has not been identified in the general population by the Genome Aggregation Database (gnomAD). The available evidence is insufficient to determine the role of this variant in disease conclusively. Therefore, this variant is classified as a Variant of Uncertain Significance.

This study involves interpretation of variants in research participants for the purpose of population health screening. Participant phenotype was not available at the time of variant classification. Additional details can be found in publication PMID: 35346344, PMCID: PMC8962531

Color Diagnostics, LLC DBA Color Health
Classification: Uncertain significance for Hereditary cancer-predisposing syndrome. Last evaluated: 2024-04-09. Review status: criteria provided, single submitter. Criteria: ACMG Guidelines, 2015. Collection method: clinical testing. Allele origin: germline.
Comment: This missense variant replaces asparagine with isoleucine at codon 2781 of the BRCA2 protein. Computational prediction suggests that this variant may have deleterious impact on protein structure and function. A functional study has reported that this variant impacts BRCA2 function in a homology-directed repair assay (PMID: 29884841, 33609447). This variant has been reported in an individual affected with ovarian cancer (PMID: 18559594). A multifactorial analysis also has reported a family history likelihood ratio for pathogenicity of 0.3667 (PMID: 31131967). This variant has not been identified in the general population by the Genome Aggregation Database (gnomAD). The available evidence is insufficient to determine the role of this variant in disease conclusively. Therefore, this variant is classified as a Variant of Uncertain Significance.

Baylor Genetics
Classification: Uncertain significance for Familial cancer of breast. Last evaluated: 2023-12-05. Review status: criteria provided, single submitter. Criteria: ACMG Guidelines, 2015. Collection method: clinical testing. Allele origin: unknown.

Quest Diagnostics Nichols Institute San Juan Capistrano
Classification: Likely pathogenic. Last evaluated: 2021-06-18. Review status: criteria provided, single submitter. Criteria: Quest Diagnostics criteria. Collection method: clinical testing. Allele origin: unknown.
Comment: This variant has not been reported in large, multi-ethnic general populations and has been reported in individuals with breast ovarian cancer and esophageal squamous cell cancer in the published literature (PMID: 18559594 (2008), 31396961 (2020)). Recent functional studies reports that this variant has a deleterious effect on BRCA2 homologous directed repair (HDR) activity (PMID: 29884841 (2019), 33609447 (2021)). Based on the available information, this variant is classified as likely pathogenic.

Literature cited by the submitters: PubMed 33609447 (cited by 6 submitters); PubMed 12228710 (cited by Ambry Genetics); PubMed 18559594 (cited by 5 submitters); PubMed 29884841 (cited by 5 submitters); PubMed 39779848 (cited by Ambry Genetics); PubMed 39779857 (cited by Ambry Genetics); PubMed 31396961 (cited by Labcorp Genetics (formerly Invitae), Labcorp and Quest Diagnostics Nichols Institute San Juan Capistrano); PubMed 38417439 (cited by Department of Clinical Genetics, Copenhagen University Hospital, Rigshospitalet); PubMed 31131967 (cited by All of Us Research Program, National Institutes of Health and Color Diagnostics, LLC DBA Color Health); PubMed 32356124 (cited by Quest Diagnostics Nichols Institute San Juan Capistrano); PubMed 24312913 (cited by Quest Diagnostics Nichols Institute San Juan Capistrano).